The following is an entry in ClinVar:

ClinVar aggregate classification (germline): Likely benign (1 of 4 stars; one submission).

gnomAD v4.1: 42 of 1,445,970 alleles (0.0029%); highest among the groups gnomAD compares: Middle Eastern, 0.11%; no homozygotes.

Submission:

CeGaT Center for Human Genetics Tuebingen
Classification: Likely benign. Last evaluated: 2025-10-01. Review status: criteria provided, single submitter. Criteria: CeGaT Center For Human Genetics Tuebingen Variant Classification Criteria Version 2. Collection method: clinical testing. Allele origin: germline. Affected: yes. Observed: 1 variant allele.
Comment: IGFN1: BP4, BP7

NM_001164586.2(IGFN1):c.3576C>T (p.Leu1192=)

Gene: IGFN1 (immunoglobulin like and fibronectin type III domain containing 1; plus strand). Cytogenetic location: 1q32.1.
Variant type: single nucleotide variant.
Coding change: c.3576C>T on transcript NM_001164586.2 (MANE Select); coding-DNA position 3576, C replaced by T.
Protein change: p.Leu1192=; no amino-acid change (leucine 1192 retained).
Molecular consequence: synonymous variant. On other transcripts: intron variant (1).
Genome position (GRCh38, 1-based): chr1:201,208,469, C>T. VCF-style: chr1-201208469-C-T. GRCh37 (hg19) VCF-style: chr1-201177597-C-T.
Other names: c.1241+2335C>T (NM_001367841.1).
Identifiers: ClinVar variation 4533951 (VCV004533951.6).